The following is an entry in ClinVar:

ClinVar aggregate classification (germline): Uncertain significance. Review status: criteria provided, multiple submitters, no conflicts (2 of 4 stars). 3 submissions from 3 submitters: Uncertain significance (2). 1 of the submissions does not count toward it. Last evaluated 2022-10-10.

Conditions:
Familial Mediterranean fever (FMF). Also called: POLYSEROSITIS, FAMILIAL PAROXYSMAL; POLYSEROSITIS, RECURRENT; Periodic peritonitis; Benign paroxysmal peritonitis. Identifiers: Orphanet 342, MedGen C0031069, MONDO:0018088, OMIM 249100. Disease mechanism: gain of function.
Behcet disease (BD). Also called: Behcet's syndrome; Behcet Syndrome. Identifiers: Orphanet 117, MedGen C0004943, MONDO:0007191, OMIM 109650, MeSH D001528.

Allele frequency attached by ClinVar (database versions not stated): gnomAD 0.00001; gnomAD exomes 0.00001; TOPMed 0.00001; ExAC 0.00002.
gnomAD v4.1: 7 of 1,614,032 alleles (0.00043%); highest among the groups gnomAD compares: Admixed American, 0.005%; no homozygotes.

Submissions (3):

GeneDx
Classification: Uncertain significance. Last evaluated: 2022-10-10. Review status: criteria provided, single submitter. Criteria: GeneDx Variant Classification Process June 2021. Collection method: clinical testing. Allele origin: germline. Affected: yes.
Comment: Identified in the heterozygous state in an individual from a cohort of patients diagnosed with Behet's disease, but familial segregation information and clinical information were not included (Burillo-Sanz et al., 2017); In silico analysis supports that this missense variant has a deleterious effect on protein structure/function; Not observed at significant frequency in large population cohorts (gnomAD); This variant is associated with the following publications: (PMID: 31589614, 28421071, 28814775, 31275371)

Labcorp Genetics (formerly Invitae), Labcorp
Classification: Uncertain significance for Familial Mediterranean fever. Last evaluated: 2022-05-17. Review status: criteria provided, single submitter. Criteria: Invitae Variant Classification Sherloc (09022015). Collection method: clinical testing. Allele origin: germline.
Comment: This sequence change replaces histidine, which is basic and polar, with arginine, which is basic and polar, at codon 404 of the MEFV protein (p.His404Arg). This variant is present in population databases (rs755659290, gnomAD 0.003%). This missense change has been observed in individual(s) with Beh√ßet disease (PMID: 28814775). ClinVar contains an entry for this variant (Variation ID: 375252). Algorithms developed to predict the effect of missense changes on protein structure and function are either unavailable or do not agree on the potential impact of this missense change (SIFT: "Deleterious"; PolyPhen-2: "Probably Damaging"; Align-GVGD: "Class C0"). In summary, the available evidence is currently insufficient to determine the role of this variant in disease. Therefore, it has been classified as a Variant of Uncertain Significance.

Department of Immunology, Hospital Universitario Virgen del Rocio
Classification: Pathogenic for Behcet disease. Last evaluated: 2017-01-25. Review status: no assertion criteria provided. Collection method: case-control. Allele origin: germline. Affected: yes. Observed: 1 variant allele, 1 heterozygote. Not counted in ClinVar's aggregate classification.

Literature cited by the submitters: PubMed 28814775 (cited by Labcorp Genetics (formerly Invitae), Labcorp).

NM_000243.3(MEFV):c.1211A>G (p.His404Arg)

Gene: MEFV (MEFV innate immunity regulator, pyrin; minus strand). Cytogenetic location: 16p13.3.
Variant type: single nucleotide variant.
Coding change: c.1211A>G on transcript NM_000243.3 (MANE Select); coding-DNA position 1211, A replaced by G.
Protein change: p.His404Arg; replaces histidine 404 with arginine.
Molecular consequence: missense variant.
Genome position (GRCh38, 1-based): chr16:3,249,480, T>C on the plus strand (A>G on the coding strand, the complement: MEFV is on the minus strand). VCF-style: chr16-3249480-T-C. GRCh37 (hg19) VCF-style: chr16-3299480-T-C.
Other names: MEFV; c.578A>G, p.His193Arg (NM_001198536.2); short protein forms H404R, H193R.
Identifiers: ClinVar variation 375252 (VCV000375252.7), dbSNP rs755659290, ClinGen allele CA7860216.
Genomic context (GRCh38, chr16:3,249,480, plus strand): 5'-GGAGTGCCTACCTTGTGTTCCAGGGCGACCTCCTCAATGGGGCGCACCCGGTGGCCTTGG[T>C]GCTCCTGACTCAGACTGCAGATGAGGCAGATGGGCTCATCGTGATCCTCACAGAAGAGCA-3'
Protein context (NP_000234.1, residues 394-414): ICLICSLSQE[His404Arg]QGHRVRPIEE